The following is an entry in ClinVar:

ClinVar aggregate classification (germline): Uncertain significance. Review status: criteria provided, multiple submitters, no conflicts (2 of 4 stars). 3 submissions from 3 submitters: Uncertain significance (3). Last evaluated 2024-08-27.

Conditions:
Inborn genetic diseases. Identifiers: MedGen C0950123, MeSH D030342.

Allele frequency attached by ClinVar (database versions not stated): ExAC 0.00002; gnomAD 0.00002 and 0.00003; TOPMed 0.00002.
gnomAD v4.1: 32 of 1,581,674 alleles (0.002%); highest among the groups gnomAD compares: Non-Finnish European, 0.0027%; no homozygotes.

Submissions (3):

Ambry Genetics
Classification: Uncertain significance for Inborn genetic diseases. Last evaluated: 2024-08-27. Review status: criteria provided, single submitter. Criteria: Ambry Variant Classification Scheme 2023. Collection method: clinical testing. Allele origin: germline.

Blueprint Genetics
Classification: Uncertain significance. Last evaluated: 2022-06-09. Review status: criteria provided, single submitter. Criteria: ACMG Guidelines, 2015. Collection method: clinical testing. Allele origin: germline.

Laboratory for Molecular Medicine, Mass General Brigham Personalized Medicine
Classification: Uncertain significance. Last evaluated: 2013-02-06. Review status: criteria provided, single submitter. Criteria: LMM Criteria. Collection method: clinical testing. Allele origin: germline. Observed: 1 variant allele.
Comment: Variant classified as Uncertain Significance - Favor Benign. The Glu2226Lys vari ant in GPR98 has not been previously identified by our laboratory and it has not been identified in large and broad African American and European American popul ations by the NHLBI Exome Sequencing Project . Computational analyses (biochemical amino acid properties, conservation, Align GVGD, PolyPhen2, and SIFT) suggest that the Glu2226Lys variant may not impact th e protein, particularly with the Glu2226 amino acid not conserved in rat or lowe r species. However, this information is not predictive enough to rule out pathog enicity. In summary, the clinical significance of this variant cannot be determi ned with certainty; however based upon the reduced conservation, we would lean t owards a more likely benign role.

NM_032119.4(ADGRV1):c.6676G>A (p.Glu2226Lys)

Gene: ADGRV1 (adhesion G protein-coupled receptor V1; plus strand). Cytogenetic location: 5q14.3.
Variant type: single nucleotide variant.
Coding change: c.6676G>A on transcript NM_032119.4 (MANE Select); coding-DNA position 6676, G replaced by A.
Protein change: p.Glu2226Lys; replaces glutamic acid 2226 with lysine.
Molecular consequence: missense variant. On other transcripts: non-coding transcript variant (1).
Genome position (GRCh38, 1-based): chr5:90,690,046, G>A. VCF-style: chr5-90690046-G-A. GRCh37 (hg19) VCF-style: chr5-89985863-G-A.
Other names: short protein forms E2226K.
Identifiers: ClinVar variation 46355 (VCV000046355.6), dbSNP rs397517433, ClinGen allele CA138181.